The following is an entry in ClinVar:

ClinVar aggregate classification (somatic clinical impact): Tier I - Strong (1 of 4 stars; one submission).

Conditions:
Diffuse midline glioma, H3 K27M-mutant. Identifiers: MedGen C4289688, MONDO:0957196.

Submission:

Institute for Genomic Medicine (IGM) Clinical Laboratory, Nationwide Children's Hospital
Classification: Tier I - Strong for Diffuse midline glioma, H3 K27M-mutant. Assertion type: diagnostic. Clinical significance: supports diagnosis. Last evaluated: 2023-03-10. Review status: criteria provided, single submitter. Criteria: AMP/ASCO/CAP Guidelines, 2017. Collection method: clinical testing. Allele origin: somatic. Affected: yes.
Comment: Variant has Tier I (strong) clinical significance as a diagnostic inclusion criterion in diffuse midline glioma, H3 K27M-mutant, based on the following evidence: 1) Documented in one or more cancer databases (e.g., St. Jude Pecan, COSMIC, CIViC, OncoKB). 2) Appears in one or more well-established professional guidelines (e.g., World Health Organization [WHO]; National Comprehensive Cancer Network [NCCN]) as providing diagnostic, prognostic, or therapeutic information. 3) Information in the literature supports potential biologic effect of variant. 4) Diagnostic for a specific tumor type/classification based on well-powered studies with expert-level consensus (Evidence Level B; PMIDs: 27048880, 28966033, 29967352, 31348837, 32555164, 32680567).

Literature cited by the submitters: PubMed 27048880; PubMed 28966033; PubMed 29967352; PubMed 31348837; PubMed 32555164; PubMed 32680567.

NM_181523.3(PIK3R1):c.1350_1352del (p.His450_Glu451delinsGln)

Gene: PIK3R1 (phosphoinositide-3-kinase regulatory subunit 1; plus strand). Cytogenetic location: 5q13.1.
Variant type: Deletion.
Coding change: c.1350_1352del on transcript NM_181523.3 (MANE Select); coding-DNA positions 1350 to 1352, 3 bases deleted (TGA; older notation c.1350_1352delTGA).
Protein change: p.His450_Glu451delinsGln.
Molecular consequence: inframe indel.
Genome position (GRCh38, 1-based): chr5:68,293,759-68,293,761, TGA deleted; deleting any 3 consecutive bases within chr5:68,293,758-68,293,761 gives the same sequence; the c. name uses the placement nearest the transcript's 3' end. VCF-style (leftmost placement, unchanged base first): chr5-68293757-CATG-C. GRCh37 (hg19) VCF-style: chr5-67589585-CATG-C.
Other names: c.261_263del, p.His87_Glu88delinsGln (NM_001242466.2); c.540_542del, p.His180_Glu181delinsGln (NM_181504.4); c.450_452del, p.His150_Glu151delinsGln (NM_181524.2).
Identifiers: ClinVar variation 4530376 (VCV004530376.1).